The following is an entry in ClinVar:

ClinVar aggregate classification (germline): Uncertain significance (1 of 4 stars; one submission).

Allele frequency attached by ClinVar (database versions not stated): gnomAD exomes below 0.00001; TOPMed 0.00001.
gnomAD v4.1: 6 of 1,614,024 alleles (0.00037%); highest among the groups gnomAD compares: Non-Finnish European, 0.00051%; no homozygotes.

Submission:

Labcorp Genetics (formerly Invitae), Labcorp
Classification: Uncertain significance. Last evaluated: 2022-02-28. Review status: criteria provided, single submitter. Criteria: Invitae Variant Classification Sherloc (09022015). Collection method: clinical testing. Allele origin: germline.
Comment: In summary, the available evidence is currently insufficient to determine the role of this variant in disease. Therefore, it has been classified as a Variant of Uncertain Significance. Algorithms developed to predict the effect of missense changes on protein structure and function are either unavailable or do not agree on the potential impact of this missense change (SIFT: "Deleterious"; PolyPhen-2: "Probably Damaging"; Align-GVGD: "Class C0"). This variant has not been reported in the literature in individuals affected with LIG1-related conditions. This variant is not present in population databases (gnomAD no frequency). This sequence change replaces isoleucine, which is neutral and non-polar, with methionine, which is neutral and non-polar, at codon 793 of the LIG1 protein (p.Ile793Met).

NM_000234.3(LIG1):c.2379A>G (p.Ile793Met)

Gene: LIG1 (DNA ligase 1; minus strand). Cytogenetic location: 19q13.33.
Variant type: single nucleotide variant.
Coding change: c.2379A>G on transcript NM_000234.3 (MANE Select); coding-DNA position 2379, A replaced by G.
Protein change: p.Ile793Met; replaces isoleucine 793 with methionine.
Molecular consequence: missense variant. On other transcripts: non-coding transcript variant (6).
Genome position (GRCh38, 1-based): chr19:48,121,176, T>C on the plus strand (A>G on the coding strand, the complement: LIG1 is on the minus strand). VCF-style: chr19-48121176-T-C. GRCh37 (hg19) VCF-style: chr19-48624433-T-C.
Other names: c.2286A>G, p.Ile762Met (NM_001289063.2); c.2175A>G, p.Ile725Met (NM_001289064.2); c.2376A>G, p.Ile792Met (NM_001320970.2); c.2289A>G, p.Ile763Met (NM_001320971.2); short protein forms I792M, I725M, I793M, I762M, I763M.
Identifiers: ClinVar variation 2104282 (VCV002104282.4), dbSNP rs528082507, ClinGen allele CA406642238.
Genomic context (GRCh38, chr19:48,121,176, plus strand): 5'-GGAGTCTAATCTCCTTCCCTCCTGCTTCTGCCATCAGCCCCAGTTCCCCAGGACCTTGCA[T>C]ATGGCCTGCAGCTCCTCACTGTCCTCGTCGTAGGAGGCCAGCAGGAAGCCCCCGTACCGG-3'
Protein context (NP_000225.1, residues 783-803): YDEDSEELQA[Ile793Met]CKLGTGFSDE